The following is an entry in ClinVar:

ClinVar aggregate classification (germline): Uncertain significance (1 of 4 stars; one submission).

Submission:

Labcorp Genetics (formerly Invitae), Labcorp
Classification: Uncertain significance. Last evaluated: 2022-07-18. Review status: criteria provided, single submitter. Criteria: Invitae Variant Classification Sherloc (09022015). Collection method: clinical testing. Allele origin: germline.
Comment: In summary, the available evidence is currently insufficient to determine the role of this variant in disease. Therefore, it has been classified as a Variant of Uncertain Significance. Advanced modeling of protein sequence and biophysical properties (such as structural, functional, and spatial information, amino acid conservation, physicochemical variation, residue mobility, and thermodynamic stability) performed at Invitae indicates that this missense variant is not expected to disrupt TK2 protein function. ClinVar contains an entry for this variant (Variation ID: 1367873). This variant has not been reported in the literature in individuals affected with TK2-related conditions. This variant is not present in population databases (gnomAD no frequency). This sequence change replaces arginine, which is basic and polar, with leucine, which is neutral and non-polar, at codon 36 of the TK2 protein (p.Arg36Leu).

NM_004614.5(TK2):c.107G>T (p.Arg36Leu)

Genes: TK2 (thymidine kinase 2; minus strand), LOC130059156 (ATAC-STARR-seq lymphoblastoid silent region 7560; plus strand). Cytogenetic location: 16q21.
Variant type: single nucleotide variant.
Coding change: c.107G>T on transcript NM_004614.5 (MANE Select); coding-DNA position 107, G replaced by T.
Protein change: p.Arg36Leu; replaces arginine 36 with leucine.
Molecular consequence: missense variant. On other transcripts: 5 prime UTR variant (2), non-coding transcript variant (1), intron variant (2).
Genome position (GRCh38, 1-based): chr16:66,549,955, C>A on the plus strand (G>T on the coding strand, the complement: TK2 is on the minus strand). VCF-style: chr16-66549955-C-A. GRCh37 (hg19) VCF-style: chr16-66583858-C-A.
Other names: c.107G>T, p.Arg36Leu (NM_001172644.2, NM_001172645.2); c.-136G>T (NM_001271934.2); c.-546G>T (NM_001272050.2); c.31+298G>T (NM_001271935.1, NM_001172643.1); short protein forms R36L.
Identifiers: ClinVar variation 1367873 (VCV001367873.8), dbSNP rs550285865, ClinGen allele CA396193482.